The following is an entry in ClinVar:

ClinVar aggregate classification (germline): Uncertain significance (1 of 4 stars; one submission).

Conditions:
Glycogen storage disease IXc (GSD9C). Also called: GSD IXc. Identifiers: Orphanet 264580, MedGen C2751643, MONDO:0013091, OMIM 613027.

Submission:

Neuberg Centre For Genomic Medicine, NCGM
Classification: Uncertain significance for Glycogen storage disease IXc. Review status: criteria provided, single submitter. Criteria: ACMG Guidelines, 2015. Collection method: clinical testing. Allele origin: germline. Inheritance: Autosomal recessive inheritance. Affected: yes.
Comment: The observed missense variant c.800T>G (p.Leu267Arg) in PHKG2 gene has not been reported previously as a pathogenic variant nor as a benign variant, to our knowledge. The p.Leu267Arg variant is absent in gnomAD Exomes database. This variant has not been submitted to the ClinVar database. This variant is lying in the splice region, with the nearest canonical splice site located 2 bases downstream of this variant. The amino acid change p.Leu267Arg in PHKG2 is predicted as conserved by GERP++ and PhyloP across 100 vertebrates. Multiple lines of computational evidence predict a damaging effect on protein structure and function for this variant (Sift - damaging; Polyphen - probably damaging; Mutation Taster - disease causing). The amino acid Leu at position 267 is changed to a Arg changing protein sequence and it might alter its composition and physico-chemical properties. Additional studies will be required to prove the pathogenicity of this variant. For these reasons, this variant has been classified as a Variant of Uncertain Significance (VUS). In the absence of another reportable variant in the PHKG2 gene, the molecular diagnosis is not confirmed.

NM_000294.3(PHKG2):c.800T>G (p.Leu267Arg)

Gene: PHKG2 (phosphorylase kinase catalytic subunit gamma 2; plus strand). Cytogenetic location: 16p11.2.
Variant type: single nucleotide variant.
Coding change: c.800T>G on transcript NM_000294.3 (MANE Select); coding-DNA position 800, T replaced by G.
Protein change: p.Leu267Arg; replaces leucine 267 with arginine.
Molecular consequence: missense variant.
Genome position (GRCh38, 1-based): chr16:30,756,519, T>G. VCF-style: chr16-30756519-T-G. GRCh37 (hg19) VCF-style: chr16-30767840-T-G.
Other names: c.800T>G, p.Leu267Arg (NM_001172432.2); short protein forms L267R.
Identifiers: ClinVar variation 3242102 (VCV003242102.1), dbSNP rs2543470237.